The following is an entry in ClinVar:

ClinVar aggregate classification (germline): Uncertain significance (1 of 4 stars; one submission).

Conditions:
Charcot-Marie-Tooth disease type 2R. Also called: Charcot-Marie-Tooth disease, axonal, type 2R; CHARCOT-MARIE-TOOTH DISEASE, AXONAL, AUTOSOMAL RECESSIVE, TYPE 2R; CHARCOT-MARIE-TOOTH NEUROPATHY, TYPE 2R. Identifiers: Orphanet 397968, MedGen C3809655, MONDO:0014208, OMIM 615490.

Submission:

Labcorp Genetics (formerly Invitae), Labcorp
Classification: Uncertain significance for Charcot-Marie-Tooth disease type 2R. Last evaluated: 2025-06-04. Review status: criteria provided, single submitter. Criteria: Invitae Variant Classification Sherloc (09022015). Collection method: clinical testing. Allele origin: germline.
Comment: This sequence change is expected to alter the c-terminus of the TRIM2 protein (p.Leu743Serfs*16). While this is not anticipated to result in nonsense mediated decay, it is expected to disrupt the last 2 amino acid(s) of the TRIM2 protein and extend the protein by 13 additional amino acid residues. This variant is not present in population databases (gnomAD no frequency). This variant has not been reported in the literature in individuals affected with TRIM2-related conditions. ClinVar contains an entry for this variant (Variation ID: 1467587). Experimental studies and prediction algorithms are not available or were not evaluated, and the functional significance of this variant is currently unknown. In summary, the available evidence is currently insufficient to determine the role of this variant in disease. Therefore, it has been classified as a Variant of Uncertain Significance.

NM_015271.5(TRIM2):c.2308_2311del (p.Leu770fs)

Gene: TRIM2 (tripartite motif containing 2; plus strand). Cytogenetic location: 4q31.3.
Variant type: Deletion.
Coding change: c.2308_2311del on transcript NM_015271.5 (MANE Select); coding-DNA positions 2308 to 2311, 4 bases deleted (TTAC; older notation c.2308_2311delTTAC).
Protein change: p.Leu770fs; shifts the reading frame from leucine 770.
Molecular consequence: frameshift variant.
Genome position (GRCh38, 1-based): chr4:153,334,958-153,334,961, TTAC deleted; deleting any 4 consecutive bases within chr4:153,334,955-153,334,961 gives the same sequence; the c. name uses the placement nearest the transcript's 3' end. VCF-style (leftmost placement, unchanged base first): chr4-153334954-ATACT-A. GRCh37 (hg19) VCF-style: chr4-154256106-ATACT-A.
Other names: c.2227_2230del, p.Leu743fs (NM_001130067.2, NM_001375512.1, NM_001375513.1 and 4 more transcripts); c.2293_2296del, p.Leu765fs (NM_001351054.2); c.2290_2293del, p.Leu764fs (NM_001351055.2); c.2239_2242del, p.Leu747fs (NM_001351056.2); c.1852_1855del, p.Leu618fs (NM_001351057.2); c.2401_2404del, p.Leu801fs (NM_001375488.1); c.2398_2401del, p.Leu800fs (NM_001375489.1); c.2251_2254del, p.Leu751fs (NM_001375490.1); and 4 more; short protein forms L751fs, L800fs, L658fs, L659fs, L750fs, L770fs, L801fs, L764fs.
Identifiers: ClinVar variation 1467587 (VCV001467587.6), dbSNP rs2149608145, ClinGen allele CA2573138139.
Genomic context (GRCh38, chr4:153,334,954, plus strand): 5'-AACTTCAGATGGTCATGTTGTGGTTGCAGACTCTGGAAATCACTGTTTCAAAGTCTATCG[ATACT>A]TACAGTAATGGTGGGCAGGTGGATACCCGCTTCCATGGTCTTGCACTATAAACTGGAATG-3'